The following continues an entry in ClinVar:

NM_000059.4(BRCA2):c.7879A>T (p.Ile2627Phe)

Gene: BRCA2. ClinVar aggregate classification (germline): Pathogenic. Pathogenic (1).

Submissions 7 to 18 of 31:

Ambry Genetics
Classification: Likely pathogenic for Hereditary cancer-predisposing syndrome. Last evaluated: 2024-12-23. Review status: criteria provided, single submitter. Criteria: Ambry Variant Classification Scheme 2023. Collection method: clinical testing. Allele origin: germline. Not counted in ClinVar's aggregate classification.
Comment: The p.I2627F variant (also known as c.7879A>T), located in coding exon 16 of the BRCA2 gene, results from an A to T substitution at nucleotide position 7879. The isoleucine at codon 2627 is replaced by phenylalanine, an amino acid with highly similar properties. This alteration has been classified as pathogenic (p>0.99) by multifactorial analysis, which integrates the following lines of evidence to produce a quantitative likelihood of pathogenicity: in silico prediction models, segregation with disease, tumor characteristics, mutation co-occurrence, and functional assay results (Easton D et al. Am J Hum Genet. 2007;81:873-883; Vallee M et al. Hum Mutat. 2012 Jan;33(1):22-8; Lindor NM et al. Hum. Mutat. 2012;33(1):8-21; Hendriks G et al. Hum. Mutat. 2014;35(11):1382-91). In multiple studies, this alteration was detected in several individuals with breast or ovarian cancer (Spitzer E et al. Int. J. Cancer 2000;85(4):474-81; Balabas A et al. Fam. Cancer 2010;9(3):267-74; Stegel V et al. BMC Med. Genet. 2011;12():9; Kluska A et al. BMC Med Genomics 2015;8():19; Couch FJ et al. J. Clin. Oncol. 2015;33(4):304-11; Meisel C et al. Arch. Gynecol. Obstet. 2017 May;295(5):1227-1238; Zakrzewski F et al. BMC Cancer 2019 Apr;19(1):396). This alteration was identified in 1/150 unselected patients with recurrent or metastatic prostate cancer (Isaacsson Velho P et al. Prostate 2018 04;78:401-407). A homology-directed DNA repair (HDR) assay demonstrated p.I2627F to have low functionality, with a probability of pathogenicity of 0.990 (Guidugli L et al. Am. J. Hum. Genet. 2018 Feb;102(2):233-248). In another study, this variant was non-functional in a homology-directed DNA repair (HDR) assay (Hart SN et al. Genet Med. 2019 01;21:71-80). In addition, a mouse embryonic stem cell assay showed that p.I2627F was unable to complement Brca2-deficient cell lethal phenotype (Mesman R et al. Genet. Med. 2019 02;21(2):293-302). This variant is considered to be rare based on population cohorts in the Genome Aggregation Database (gnomAD). This amino acid position is well conserved in available vertebrate species. In addition, this alteration is predicted to be deleterious by in silico analysis. Based on the majority of available evidence to date, this variant is likely to be pathogenic.

Blueprint Genetics
Classification: Pathogenic for BRCA2-related disorders. Last evaluated: 2024-10-09. Review status: criteria provided, single submitter. Criteria: ACMG Guidelines, 2015. Collection method: clinical testing. Allele origin: germline. Affected: yes. Observed: 2 variant alleles. Not counted in ClinVar's aggregate classification.

German Consortium for Hereditary Breast and Ovarian Cancer, University Hospital Cologne
Classification: Pathogenic for Hereditary breast ovarian cancer syndrome. Last evaluated: 2024-10-08. Review status: criteria provided, single submitter. Criteria: ClinGen BRCA2 V1.1.0. Collection method: curation. Allele origin: germline. Not counted in ClinVar's aggregate classification.
Comment: According to the ClinGen ENIGMA BRCA2 v1.1.0 criteria we chose these criteria: PS3 (strong pathogenic): Reported by three calibrated studies to exhibit protein function similar to pathogenic control variants (PMIDs:29988080, 33609447, 32444794) (PS3 met)., PM2 (supporting pathogenic): absent in gnomAD v2.1 and v3.1, PP4 (very strong pathogenic): Multifactorial likelihood ratio analysis using clinically calibrated data produced a combined LR for this variant of 406 (based on Cosegregation LR=1.88; Co-occurrence LR=1.28; Family History LR=168.6), above the threshold for Very strong evidence towards pathogenicity (LR >350) (PP4_Very strong met; PMID: 17924331, 31853058).

Fulgent Genetics
Classification: Pathogenic for Familial cancer of breast; Medulloblastoma; Familial prostate cancer; Wilms tumor 1; Fanconi anemia complementation group D1; Breast-ovarian cancer, familial, susceptibility to, 2; Glioma susceptibility 3; Pancreatic cancer, susceptibility to, 2. Last evaluated: 2024-04-22. Review status: criteria provided, single submitter. Criteria: ACMG Guidelines, 2015. Collection method: clinical testing. Allele origin: germline. Not counted in ClinVar's aggregate classification.

Color Diagnostics, LLC DBA Color Health
Classification: Pathogenic for Hereditary cancer-predisposing syndrome. Last evaluated: 2023-12-05. Review status: criteria provided, single submitter. Criteria: ACMG Guidelines, 2015. Collection method: clinical testing. Allele origin: germline. Not counted in ClinVar's aggregate classification.
Comment: This missense variant replaces isoleucine with phenylalanine at codon 2627 in the DNA binding domain of the BRCA2 protein. Computational prediction is inconclusive regarding the impact of this variant on protein structure and function (internally defined REVEL score threshold 0.5 < inconclusive < 0.7, PMID: 27666373). Functional studies have reported that this variant impacts BRCA2 function in homology-mediated repair and complementation of Brca2-deficient mouse embryonic stem cells (PMID: 18451181, 23108138, 29394989, 29988080, 33609447). This variant has been reported in over ten individuals affected with breast cancer (PMID: 10699917, 20104584, 20383589, 21520273, 29335924) and prostate cancer (PMID: 29368341). This variant also has been reported with a family history likelihood ratio for pathogenicity of 2.61 (PMID: 18451181), and it has been observed in six breast cancer-affected individuals of Macedonian origin, who showed significant family history of BRCA2-related cancers (PMID: 29335924). This variant has not been identified in the general population by the Genome Aggregation Database (gnomAD). Based on the available evidence, this variant is classified as Pathogenic.

Baylor Genetics
Classification: Pathogenic for Familial cancer of breast. Last evaluated: 2022-12-02. Review status: criteria provided, single submitter. Criteria: ACMG Guidelines, 2015. Collection method: clinical testing. Allele origin: unknown. Not counted in ClinVar's aggregate classification.

GeneDx
Classification: Pathogenic. Last evaluated: 2022-06-06. Review status: criteria provided, single submitter. Criteria: GeneDx Variant Classification Process June 2021. Collection method: clinical testing. Allele origin: germline. Affected: yes. Not counted in ClinVar's aggregate classification.
Comment: Published functional studies demonstrate a damaging effect: reduced homology directed repair activity and an increase in centriole amplification when compared to wild-type (Farrugia 2008, Guidugli 2013, Guidugli 2018); Multifactorial studies suggest this variant is associated with breast and ovarian cancer (Lindor 2012); Observed in individuals with BRCA2-related cancers (Spitzer 2000, Balabas 2010, Stegel 2011, Lee 2014, Meisel 2017, Jakimovska 2018); In silico analysis supports that this missense variant does not alter protein structure/function; Not observed at significant frequency in large population cohorts (gnomAD); Also known as 8107A>T; This variant is associated with the following publications: (PMID: 29368341, 29394989, 25447315, 22430266, 19043619, 21232165, 25452441, 21520273, 24323938, 25146914, 17924331, 21990134, 25948282, 20104584, 20383589, 26295337, 18451181, 23108138, 10699917, 28324225, 29335924, 29884841, 33964450, 30787465, 29988080, 29446198, 32444794, 12228710)

Human Genetics Bochum, Ruhr University Bochum
Classification: Pathogenic. Last evaluated: 2022-01-04. Review status: criteria provided, single submitter. Criteria: ACMG Guidelines, 2015. Collection method: clinical testing. Allele origin: germline. Affected: no. Not counted in ClinVar's aggregate classification.
Comment: ACMG criteria used to clasify this variant: PP3, PS3, PM1, PS4, PM2

Institute for Clinical Genetics, University Hospital TU Dresden, University Hospital TU Dresden
Classification: Pathogenic. Last evaluated: 2021-11-03. Review status: criteria provided, single submitter. Criteria: ACMG Guidelines, 2015. Collection method: clinical testing. Allele origin: germline. Not counted in ClinVar's aggregate classification.

Quest Diagnostics Nichols Institute San Juan Capistrano
Classification: Pathogenic. Last evaluated: 2021-03-26. Review status: criteria provided, single submitter. Criteria: Quest Diagnostics criteria. Collection method: clinical testing. Allele origin: unknown. Not counted in ClinVar's aggregate classification.
Comment: In the published literature, the variant has been reported in individuals and families with breast cancer (PMID: 29335924 (2018), 25948282 (2015), 25452441 (2015), 21232165 (2011), 20104584 (2010), 18451181 (2008)), and it has been classified as pathogenic in multifactorial analysis studies (PMID: 17924331 (2007), 21990134 (2012)). Additional functional studies indicate the variant has deleterious effects on BRCA2 protein functions (PMID: 23108138 (2013), 29988080 (2018)). Based on the available information, this variant is classified as pathogenic.

Institute of Medical Genetics and Applied Genomics, University Hospital Tübingen
Classification: Pathogenic. Last evaluated: 2020-10-23. Review status: criteria provided, single submitter. Criteria: ACMG Guidelines, 2015. Collection method: clinical testing. Allele origin: germline. Inheritance: Unknown mechanism. Affected: yes. Not counted in ClinVar's aggregate classification.

CeGaT Center for Human Genetics Tuebingen
Classification: Pathogenic. Last evaluated: 2020-09-01. Review status: criteria provided, single submitter. Criteria: CeGaT Center For Human Genetics Tuebingen Variant Classification Criteria Version 2. Collection method: clinical testing. Allele origin: germline. Affected: yes. Observed: 6 variant alleles. Not counted in ClinVar's aggregate classification.